The following is an entry in ClinVar:

NM_001853.4(COL9A3):c.511G>A (p.Asp171Asn)

Gene: COL9A3 (collagen type IX alpha 3 chain; plus strand). Cytogenetic location: 20q13.33.
Variant type: single nucleotide variant.
Coding change: c.511G>A on transcript NM_001853.4 (MANE Select); coding-DNA position 511, G replaced by A.
Protein change: p.Asp171Asn; replaces aspartic acid 171 with asparagine.
Molecular consequence: missense variant.
Genome position (GRCh38, 1-based): chr20:62,822,624, G>A. VCF-style: chr20-62822624-G-A. GRCh37 (hg19) VCF-style: chr20-61453976-G-A.
Other names: short protein forms D171N.
Identifiers: ClinVar variation 1938640 (VCV001938640.7), dbSNP rs763493493, ClinGen allele CA9949315.

ClinVar aggregate classification (germline): Uncertain significance. Review status: criteria provided, multiple submitters, no conflicts (2 of 4 stars). 2 submissions from 2 submitters: Uncertain significance (2). Last evaluated 2025-11-12.

Conditions:
Epiphyseal dysplasia, multiple, 3 (EDM3). Also called: COL9A3-Related Multiple Epiphyseal Dysplasia; Epiphyseal dysplasia, multiple, 3, with or without myopathy. Identifiers: MedGen C1832998, MONDO:0010964, OMIM 600969.

Allele frequency attached by ClinVar (database versions not stated): TOPMed below 0.00001; gnomAD 0.00001; ExAC 0.00003; gnomAD exomes 0.00001.

Submissions (2):

Dasa
Classification: Uncertain significance for Epiphyseal dysplasia, multiple, 3. Last evaluated: 2025-11-12. Review status: criteria provided, single submitter. Criteria: DASA Assertion Criteria. Collection method: clinical testing. Allele origin: germline.
Comment: NM_001853.4(COL9A3):c.511G>A (p.Asp171Asn) is a missense variant that results in the substitution of aspartic acid with asparagine. This variant is rare in population databases. The currently available literature and clinical evidence are not sufficient to establish a definitive association between this variant and the reported condition. Therefore, this variant is classified as a variant of uncertain significance.

Labcorp Genetics (formerly Invitae), Labcorp
Classification: Uncertain significance. Last evaluated: 2024-01-26. Review status: criteria provided, single submitter. Criteria: Invitae Variant Classification Sherloc (09022015). Collection method: clinical testing. Allele origin: germline.
Comment: This sequence change replaces aspartic acid, which is acidic and polar, with asparagine, which is neutral and polar, at codon 171 of the COL9A3 protein (p.Asp171Asn). This variant is present in population databases (rs763493493, gnomAD 0.003%). This variant has not been reported in the literature in individuals affected with COL9A3-related conditions. ClinVar contains an entry for this variant (Variation ID: 1938640). Advanced modeling of protein sequence and biophysical properties (such as structural, functional, and spatial information, amino acid conservation, physicochemical variation, residue mobility, and thermodynamic stability) performed at Invitae indicates that this missense variant is not expected to disrupt COL9A3 protein function with a negative predictive value of 95%. In summary, the available evidence is currently insufficient to determine the role of this variant in disease. Therefore, it has been classified as a Variant of Uncertain Significance.